The following is an entry in ClinVar:

ClinVar aggregate classification (germline): Uncertain significance (1 of 4 stars; one submission).

Conditions:
Neurodegeneration with ataxia, dystonia, and gaze palsy, childhood-onset (NADGP). Identifiers: MedGen C4310693, MONDO:0014940, OMIM 617145.

Submission:

Centre for Mendelian Genomics, University Medical Centre Ljubljana
Classification: Uncertain significance for Neurodegeneration with ataxia, dystonia, and gaze palsy, childhood-onset. Last evaluated: 2019-10-22. Review status: criteria provided, single submitter. Criteria: ACMG Guidelines, 2015. Collection method: clinical testing. Allele origin: unknown. Affected: yes.
Comment: This variant was classified as: Uncertain significance. The available evidence on this variant's pathogenicity is insufficient or conflicting. The following ACMG criteria were applied in classifying this variant: PM2,PP3.

NM_016175.4(MRNIP):c.937G>T (p.Glu313Ter)

Genes: MRNIP (MRN complex interacting protein; minus strand), SQSTM1 (sequestosome 1; plus strand). Cytogenetic location: 5q35.3.
Variant type: single nucleotide variant.
Coding change: c.937G>T on transcript NM_016175.4 (MANE Select); coding-DNA position 937, G replaced by T.
Protein change: p.Glu313Ter; replaces glutamic acid 313 with a stop codon.
Molecular consequence: nonsense. On other transcripts: 3 prime UTR variant (3).
Genome position (GRCh38, 1-based): chr5:179,837,486, C>A on the plus strand (G>T on the coding strand, the complement: MRNIP is on the minus strand). VCF-style: chr5-179837486-C-A. GRCh37 (hg19) VCF-style: chr5-179264486-C-A.
Other names: c.772G>T, p.Glu258Ter (NM_001017987.3); c.*893C>A (NM_001142298.2, NM_001142299.2, NM_003900.5); short protein forms E313*, E258*.
Identifiers: ClinVar variation 931366 (VCV000931366.3), dbSNP rs753168881, ClinGen allele CA362456311.